The following is an entry in ClinVar:

NM_000070.3(CAPN3):c.77C>G (p.Pro26Arg)

Gene: CAPN3 (calpain 3; plus strand). Cytogenetic location: 15q15.1.
Variant type: single nucleotide variant.
Coding change: c.77C>G on transcript NM_000070.3 (MANE Select); coding-DNA position 77, C replaced by G.
Protein change: p.Pro26Arg; replaces proline 26 with arginine.
Molecular consequence: missense variant.
Genome position (GRCh38, 1-based): chr15:42,359,882, C>G. VCF-style: chr15-42359882-C-G. GRCh37 (hg19) VCF-style: chr15-42652080-C-G.
Other names: c.77C>G, p.Pro26Arg (NM_024344.2, NM_173087.2); short protein forms P26R.
Identifiers: ClinVar variation 468652 (VCV000468652.8), dbSNP rs762020512, ClinGen allele CA7510846.

ClinVar aggregate classification (germline): Uncertain significance. Review status: criteria provided, multiple submitters, no conflicts (2 of 4 stars). 3 submissions from 3 submitters: Uncertain significance (2). 1 of the submissions does not count toward it. Last evaluated 2025-12-02.

Conditions:
Autosomal recessive limb-girdle muscular dystrophy type 2A (LGMDR1). Also called: LEYDEN-MOEBIUS MUSCULAR DYSTROPHY; MUSCULAR DYSTROPHY, PELVOFEMORAL; Limb-girdle muscular dystrophy, type 2A; Calpainopathy; Muscular dystrophy, limb-girdle, type 2A, Amish. Identifiers: Orphanet 267, MedGen C1869123, MONDO:0009675, OMIM 253600. Disease mechanism: loss of function.

Allele frequency attached by ClinVar (database versions not stated): TOPMed 0.00002.
gnomAD v4.1: 4 of 1,614,066 alleles (0.00025%); highest among the groups gnomAD compares: East Asian, 0.0089%; no homozygotes.

Submissions (3):

Myriad Genetics, Inc.
Classification: Uncertain significance for Autosomal recessive limb-girdle muscular dystrophy type 2A. Last evaluated: 2025-12-02. Review status: criteria provided, single submitter. Criteria: Myriad Autosomal Dominant, Autosomal Recessive and X-Linked Classification Criteria (2023). Collection method: clinical testing. Allele origin: unknown.
Comment: NM_000070.2(CAPN3):c.77C>G(P26R) is a missense variant classified as a variant of uncertain significance in the context of calpainopathy. P26R has been observed in a case with relevant disease (PMID: 37974208). Relevant functional assessments of this variant are not available in the literature. P26R has been observed in referenced population frequency databases. In summary, there is insufficient evidence to classify NM_000070.2(CAPN3):c.77C>G(P26R) as pathogenic or benign. Please note: this variant was assessed in the context of healthy population screening.

Labcorp Genetics (formerly Invitae), Labcorp
Classification: Uncertain significance for Autosomal recessive limb-girdle muscular dystrophy type 2A. Last evaluated: 2024-10-31. Review status: criteria provided, single submitter. Criteria: Invitae Variant Classification Sherloc (09022015). Collection method: clinical testing. Allele origin: germline.
Comment: This sequence change replaces proline, which is neutral and non-polar, with arginine, which is basic and polar, at codon 26 of the CAPN3 protein (p.Pro26Arg). This variant is present in population databases (rs762020512, gnomAD 0.04%). This variant has not been reported in the literature in individuals affected with CAPN3-related conditions. ClinVar contains an entry for this variant (Variation ID: 468652). Invitae Evidence Modeling of protein sequence and biophysical properties (such as structural, functional, and spatial information, amino acid conservation, physicochemical variation, residue mobility, and thermodynamic stability) has been performed for this missense variant. However, the output from this modeling did not meet the statistical confidence thresholds required to predict the impact of this variant on CAPN3 protein function. In summary, the available evidence is currently insufficient to determine the role of this variant in disease. Therefore, it has been classified as a Variant of Uncertain Significance.

Natera, Inc.
Classification: Uncertain significance for Limb-girdle muscular dystrophy type 2A. Last evaluated: 2019-10-28. Review status: no assertion criteria provided. Collection method: clinical testing. Allele origin: germline. Not counted in ClinVar's aggregate classification.

Literature cited by the submitters: PubMed 37974208 (cited by Myriad Genetics, Inc.).